The following is an entry in ClinVar:

ClinVar aggregate classification (germline): Uncertain significance. Review status: criteria provided, multiple submitters, no conflicts (2 of 4 stars). 2 submissions from 2 submitters: Uncertain significance (2). Last evaluated 2025-09-02.

Conditions:
Primary ciliary dyskinesia. Also called: Ciliary dyskinesia. Identifiers: Orphanet 244, MedGen C0008780, MONDO:0016575, HP:0012265.

Submissions (2):

Labcorp Genetics (formerly Invitae), Labcorp
Classification: Uncertain significance for Primary ciliary dyskinesia. Last evaluated: 2025-09-02. Review status: criteria provided, single submitter. Criteria: Invitae Variant Classification Sherloc (09022015). Collection method: clinical testing. Allele origin: germline.
Comment: This sequence change replaces histidine, which is basic and polar, with arginine, which is basic and polar, at codon 254 of the RPGR protein (p.His254Arg). This variant is not present in population databases (gnomAD no frequency). This variant has not been reported in the literature in individuals affected with RPGR-related conditions. Invitae Evidence Modeling of protein sequence and biophysical properties (such as structural, functional, and spatial information, amino acid conservation, physicochemical variation, residue mobility, and thermodynamic stability) indicates that this missense variant is expected to disrupt RPGR protein function with a positive predictive value of 95%. In summary, the available evidence is currently insufficient to determine the role of this variant in disease. Therefore, it has been classified as a Variant of Uncertain Significance.

Blueprint Genetics
Classification: Uncertain significance. Last evaluated: 2021-10-06. Review status: criteria provided, single submitter. Criteria: ACMG Guidelines, 2015. Collection method: clinical testing. Allele origin: germline.

NM_001034853.2(RPGR):c.761A>G (p.His254Arg)

Gene: RPGR (retinitis pigmentosa GTPase regulator; minus strand). Cytogenetic location: Xp11.4.
Variant type: single nucleotide variant.
Coding change: c.761A>G on transcript NM_001034853.2 (MANE Select); coding-DNA position 761, A replaced by G.
Protein change: p.His254Arg; replaces histidine 254 with arginine.
Molecular consequence: missense variant. On other transcripts: non-coding transcript variant (6).
Genome position (GRCh38, 1-based): chrX:38,310,632, T>C on the plus strand (A>G on the coding strand, the complement: RPGR is on the minus strand). VCF-style: chrX-38310632-T-C. GRCh37 (hg19) VCF-style: chrX-38169885-T-C.
Other names: c.761A>G, p.His254Arg (NM_000328.3, NM_001367246.1, NM_001367247.1 and 1 more transcripts); c.758A>G, p.His253Arg (NM_001367245.1, NM_001367249.1, NM_001367250.1); c.791A>G, p.His264Arg (NM_001367248.1); short protein forms H253R, H264R, H254R.
Identifiers: ClinVar variation 4746273 (VCV004746273.2).